The following is an entry in ClinVar:

ClinVar aggregate classification (germline): Uncertain significance (1 of 4 stars; one submission).

Conditions:
Meckel syndrome, type 6. Identifiers: Orphanet 564, MedGen C2676790, MONDO:0012848, OMIM 612284.

Allele frequency attached by ClinVar (database versions not stated): ExAC 0.00001.
gnomAD v4.1: 1 of 1,596,946 alleles (0.000063%); highest among the groups gnomAD compares: South Asian, 0.0011%; no homozygotes.

Submission:

Neuberg Centre For Genomic Medicine, NCGM
Classification: Uncertain significance for Meckel syndrome, type 6. Review status: criteria provided, single submitter. Criteria: ACMG Guidelines, 2015. Collection method: clinical testing. Allele origin: germline. Inheritance: Autosomal recessive inheritance. Affected: yes.
Comment: The missense variant in c.740G>T (p.Gly247Val) in CC2D2A gene has not been reported previously as a pathogenic variant nor as a benign variant, to our knowledge. The p.Gly247Val variant is reported with the allele frequency of 0.0004080% in gnomAD and is novel (not in any individuals) in 1000 Genomes. The amino acid Gly at position 247 is changed to a Val changing protein sequence and it might alter its composition and physico-chemical properties. In silico tools predict the variant to be tolerated. The residue is conserved across species. The amino acid change p.Gly247Val in CC2D2A is predicted as conserved by GERP++ and PhyloP across 100 vertebrates. For these reasons, this variant has been classified as Uncertain Significance.

NM_001378615.1(CC2D2A):c.740G>T (p.Gly247Val)

Genes: CC2D2A (coiled-coil and C2 domain containing 2A; plus strand), FBXL5 (F-box and leucine rich repeat protein 5; minus strand). Cytogenetic location: 4p15.32.
Variant type: single nucleotide variant.
Coding change: c.740G>T on transcript NM_001378615.1 (MANE Select); coding-DNA position 740, G replaced by T.
Protein change: p.Gly247Val; replaces glycine 247 with valine.
Molecular consequence: missense variant.
Genome position (GRCh38, 1-based): chr4:15,514,729, G>T. VCF-style: chr4-15514729-G-T. GRCh37 (hg19) VCF-style: chr4-15516352-G-T.
Other names: c.740G>T, p.Gly247Val (NM_001080522.2); c.593G>T, p.Gly198Val (NM_001378617.1); short protein forms G247V, G198V.
Identifiers: ClinVar variation 2585474 (VCV002585474.1), dbSNP rs746210662, ClinGen allele CA2863483.